The following is an entry in ClinVar:

NM_001211.6(BUB1B):c.965G>C (p.Arg322Thr)

Gene: BUB1B (BUB1 mitotic checkpoint serine/threonine kinase B; plus strand). Cytogenetic location: 15q15.1.
Variant type: single nucleotide variant.
Coding change: c.965G>C on transcript NM_001211.6 (MANE Select); coding-DNA position 965, G replaced by C.
Protein change: p.Arg322Thr; replaces arginine 322 with threonine.
Molecular consequence: missense variant.
Genome position (GRCh38, 1-based): chr15:40,185,378, G>C. VCF-style: chr15-40185378-G-C. GRCh37 (hg19) VCF-style: chr15-40477579-G-C.
Other names: short protein forms R322T.
Identifiers: ClinVar variation 1767697 (VCV001767697.5), dbSNP rs1310227913, ClinGen allele CA391684920.

ClinVar aggregate classification (germline): Uncertain significance. Review status: criteria provided, multiple submitters, no conflicts (2 of 4 stars). 2 submissions from 2 submitters: Uncertain significance (2). Last evaluated 2024-09-15.

Conditions:
Inborn genetic diseases. Identifiers: MedGen C0950123, MeSH D030342.
Mosaic variegated aneuploidy syndrome 1 (MVA1). Also called: Warburton-Anyane-Yeboa syndrome. Identifiers: Orphanet 1052, MedGen C1850343, MONDO:0009759, OMIM 257300.

Submissions (2):

Labcorp Genetics (formerly Invitae), Labcorp
Classification: Uncertain significance for Mosaic variegated aneuploidy syndrome 1. Last evaluated: 2024-09-15. Review status: criteria provided, single submitter. Criteria: Invitae Variant Classification Sherloc (09022015). Collection method: clinical testing. Allele origin: germline.
Comment: This sequence change replaces arginine, which is basic and polar, with threonine, which is neutral and polar, at codon 322 of the BUB1B protein (p.Arg322Thr). This variant is not present in population databases (gnomAD no frequency). This variant has not been reported in the literature in individuals affected with BUB1B-related conditions. ClinVar contains an entry for this variant (Variation ID: 1767697). An algorithm developed to predict the effect of missense changes on protein structure and function (PolyPhen-2) suggests that this variant is likely to be disruptive. In summary, the available evidence is currently insufficient to determine the role of this variant in disease. Therefore, it has been classified as a Variant of Uncertain Significance.

Ambry Genetics
Classification: Uncertain significance for Inborn genetic diseases. Last evaluated: 2024-06-07. Review status: criteria provided, single submitter. Criteria: Ambry Variant Classification Scheme 2023. Collection method: clinical testing. Allele origin: germline.
Comment: The p.R322T variant (also known as c.965G>C), located in coding exon 7 of the BUB1B gene, results from a G to C substitution at nucleotide position 965. The arginine at codon 322 is replaced by threonine, an amino acid with similar properties. This amino acid position is conserved. In addition, this alteration is predicted to be tolerated by in silico analysis. Since supporting evidence is limited at this time, the clinical significance of this alteration remains unclear.